The following is an entry in ClinVar:

ClinVar aggregate classification (germline): Uncertain significance (1 of 4 stars; one submission).

Submission:

GeneDx
Classification: Uncertain significance. Last evaluated: 2025-01-21. Review status: criteria provided, single submitter. Criteria: GeneDx Variant Classification Process June 2021. Collection method: clinical testing. Allele origin: germline. Affected: yes.
Comment: Not observed at significant frequency in large population cohorts (gnomAD); In silico analysis indicates that this missense variant does not alter protein structure/function; Has not been previously published as pathogenic or benign to our knowledge

NM_003128.3(SPTBN1):c.4145C>T (p.Ala1382Val)

Gene: SPTBN1 (spectrin beta, non-erythrocytic 1; plus strand). Cytogenetic location: 2p16.2.
Variant type: single nucleotide variant.
Coding change: c.4145C>T on transcript NM_003128.3 (MANE Select); coding-DNA position 4145, C replaced by T.
Protein change: p.Ala1382Val; replaces alanine 1382 with valine.
Molecular consequence: missense variant.
Genome position (GRCh38, 1-based): chr2:54,644,462, C>T. VCF-style: chr2-54644462-C-T. GRCh37 (hg19) VCF-style: chr2-54871599-C-T.
Other names: c.4106C>T, p.Ala1369Val (NM_178313.3); short protein forms A1369V, A1382V.
Identifiers: ClinVar variation 4070889 (VCV004070889.1).